The following is an entry in ClinVar:

ClinVar aggregate classification (germline): Likely benign. Review status: criteria provided, multiple submitters, no conflicts (2 of 4 stars). 5 submissions from 5 submitters: Likely benign (5). Last evaluated 2026-07-01.

Conditions:
IFT140-related disorder. Also called: IFT140-related condition.
Saldino-Mainzer syndrome (SRTD9). Also called: CONORENAL SYNDROME; short-rib thoracic dysplasia 9 with or without polydactyly; Renal dysplasia, retinal pigmentary dystrophy, cerebellar ataxia and skeletal dysplasia; SHORT-RIB THORACIC DYSPLASIA 9 WITHOUT POLYDACTYLY. Identifiers: Orphanet 140969, MedGen C1849437, MONDO:0009964, OMIM 266920.

Allele frequency attached by ClinVar (database versions not stated): gnomAD exomes 0.00010 and 0.00004; 1000 Genomes Project 30x 0.00016; 1000 Genomes Project 0.00020; gnomAD 0.00001 and 0.00002; ExAC 0.00008; TOPMed 0.00009.
gnomAD v4.1: 30 of 1,606,670 alleles (0.0019%); highest among the groups gnomAD compares: Admixed American, 0.048%; no homozygotes.

Submissions (5):

CeGaT Center for Human Genetics Tuebingen
Classification: Likely benign. Last evaluated: 2026-07-01. Review status: criteria provided, single submitter. Criteria: CeGaT Center For Human Genetics Tuebingen Variant Classification Criteria Version 2. Collection method: clinical testing. Allele origin: germline. Affected: yes. Observed: 1 variant allele.
Comment: IFT140: BP4, BP7

Labcorp Genetics (formerly Invitae), Labcorp
Classification: Likely benign for Saldino-Mainzer syndrome. Last evaluated: 2025-10-14. Review status: criteria provided, single submitter. Criteria: Invitae Variant Classification Sherloc (09022015). Collection method: clinical testing. Allele origin: germline.

PreventionGenetics, part of Exact Sciences
Classification: Likely benign for IFT140-related condition. Last evaluated: 2025-03-24. Review status: criteria provided, single submitter. Criteria: ACMG Guidelines, 2015. Collection method: clinical testing. Allele origin: germline.
Comment: This variant is classified as likely benign based on ACMG/AMP sequence variant interpretation guidelines (Richards et al. 2015 PMID: 25741868, with internal and published modifications).

Blueprint Genetics
Classification: Likely benign. Last evaluated: 2020-09-02. Review status: criteria provided, single submitter. Criteria: ACMG Guidelines, 2015. Collection method: clinical testing. Allele origin: germline.

Genetic Services Laboratory, University of Chicago
Classification: Likely benign. Last evaluated: 2018-08-07. Review status: criteria provided, single submitter. Criteria: ACMG Guidelines, 2015. Collection method: clinical testing. Allele origin: germline. Affected: no.

NM_014714.4(IFT140):c.3966C>T (p.Pro1322=)

Gene: IFT140 (intraflagellar transport 140; minus strand). Cytogenetic location: 16p13.3.
Variant type: single nucleotide variant.
Coding change: c.3966C>T on transcript NM_014714.4 (MANE Select); coding-DNA position 3966, C replaced by T.
Protein change: p.Pro1322=; no amino-acid change (proline 1322 retained).
Molecular consequence: synonymous variant.
Genome position (GRCh38, 1-based): chr16:1,519,955, G>A on the plus strand (C>T on the coding strand, the complement: IFT140 is on the minus strand). VCF-style: chr16-1519955-G-A. GRCh37 (hg19) VCF-style: chr16-1569956-G-A.
Identifiers: ClinVar variation 730787 (VCV000730787.15), dbSNP rs181794285, ClinGen allele CA7812965.
Genomic context (GRCh38, chr16:1,519,955, plus strand): 5'-GAACCTCTTCACCAGTGCCATCCTGCTCTGCAGCTGCGCCAGCCTGGTCTCCTGGTCCAG[G>A]GGGCTCTTGGCCTTGGCCTTGGCCAGGCACTTGTAGGCCTCGGTCAGCGCCCCGTGGGCT-3'
Protein context (NP_055529.2, residues 1312-1332): KCLAKAKAKS[Pro1322=]LDQETRLAQL